The following is an entry in ClinVar:

ClinVar aggregate classification (germline): Uncertain significance. Review status: criteria provided, multiple submitters, no conflicts (2 of 4 stars). 2 submissions from 2 submitters: Uncertain significance (2). Last evaluated 2025-12-20.

Conditions:
Dilated cardiomyopathy 1P (CMD1P). Identifiers: Orphanet 154, MedGen C1835928, MONDO:0012362, OMIM 609909.

gnomAD v4.1: 2 of 1,610,026 alleles (0.00012%); highest among the groups gnomAD compares: Non-Finnish European, 0.00017%; no homozygotes.

Submissions (2):

Labcorp Genetics (formerly Invitae), Labcorp
Classification: Uncertain significance for Dilated cardiomyopathy 1P. Last evaluated: 2025-12-20. Review status: criteria provided, single submitter. Criteria: Invitae Variant Classification Sherloc (09022015). Collection method: clinical testing. Allele origin: germline.
Comment: This sequence change replaces arginine, which is basic and polar, with glycine, which is neutral and non-polar, at codon 25 of the PLN protein (p.Arg25Gly). This variant is present in population databases (rs761056344, gnomAD 0.0009%). This variant has not been reported in the literature in individuals affected with PLN-related conditions. ClinVar contains an entry for this variant (Variation ID: 202038). An algorithm developed to predict the effect of missense changes on protein structure and function (PolyPhen-2) suggests that this variant is likely to be disruptive. Algorithms developed to predict the effect of sequence changes on RNA splicing suggest that this variant may create or strengthen a splice site. This variant disrupts the p.Arg25 amino acid residue in PLN. Other variant(s) that disrupt this residue have been determined to be pathogenic (PMID: 25691538, 25852082, 30012837; internal data). This suggests that this residue is clinically significant, and that variants that disrupt this residue are likely to be disease-causing. In summary, the available evidence is currently insufficient to determine the role of this variant in disease. Therefore, it has been classified as a Variant of Uncertain Significance.

GeneDx
Classification: Uncertain significance. Last evaluated: 2019-05-08. Review status: criteria provided, single submitter. Criteria: GeneDx Variant Classification Process June 2021. Collection method: clinical testing. Allele origin: germline. Affected: yes.
Comment: Not observed at a significant frequency in large population cohorts (Lek et al., 2016); In silico analysis, which includes protein predictors and evolutionary conservation, supports a deleterious effect; Has not been previously published as pathogenic or benign to our knowledge

Literature cited by the submitters: PubMed 25691538 (cited by Labcorp Genetics (formerly Invitae), Labcorp); PubMed 25852082 (cited by Labcorp Genetics (formerly Invitae), Labcorp); PubMed 30012837 (cited by Labcorp Genetics (formerly Invitae), Labcorp).

NM_002667.5(PLN):c.73C>G (p.Arg25Gly)

Genes: PLN (phospholamban; plus strand), CEP85L (centrosomal protein 85L; minus strand). Cytogenetic location: 6q22.31.
Variant type: single nucleotide variant.
Coding change: c.73C>G on transcript NM_002667.5 (MANE Select); coding-DNA position 73, C replaced by G.
Protein change: p.Arg25Gly; replaces arginine 25 with glycine.
Molecular consequence: missense variant. On other transcripts: intron variant (3).
Genome position (GRCh38, 1-based): chr6:118,558,994, C>G. VCF-style: chr6-118558994-C-G. GRCh37 (hg19) VCF-style: chr6-118880157-C-G.
Other names: p.R25G:CGT>GGT; c.1029+6535G>C (NM_001178035.2); c.1020+6535G>C (NM_001042475.3, NM_206921.3); short protein forms R25G.
Identifiers: ClinVar variation 202038 (VCV000202038.10), dbSNP rs761056344, ClinGen allele CA335499.